The following is an entry in ClinVar:

NM_052867.4(NALCN):c.4078G>T (p.Val1360Leu)

Gene: NALCN (sodium leak channel, non-selective; minus strand). Cytogenetic location: 13q32.3.
Variant type: single nucleotide variant.
Coding change: c.4078G>T on transcript NM_052867.4 (MANE Select); coding-DNA position 4078, G replaced by T.
Protein change: p.Val1360Leu; replaces valine 1360 with leucine.
Molecular consequence: missense variant.
Genome position (GRCh38, 1-based): chr13:101,074,539, C>A on the plus strand (G>T on the coding strand, the complement: NALCN is on the minus strand). VCF-style: chr13-101074539-C-A. GRCh37 (hg19) VCF-style: chr13-101726890-C-A.
Other names: c.4165G>T, p.Val1389Leu (NM_001350748.2); c.4078G>T, p.Val1360Leu (NM_001350749.2); c.3991G>T, p.Val1331Leu (NM_001350750.2, NM_001350751.2); short protein forms V1331L, V1360L, V1389L.
Identifiers: ClinVar variation 5005209 (VCV005005209.2).

ClinVar aggregate classification (germline): Uncertain significance (1 of 4 stars; one submission).

Conditions:
Congenital contractures of the limbs and face, hypotonia, and developmental delay (CLIFAHDD). Identifiers: Orphanet 562528, MedGen C4225398, MONDO:0014556, OMIM 616266.
Hypotonia, infantile, with psychomotor retardation and characteristic facies 1 (INNFD). Identifiers: Orphanet 371364, Orphanet 700336, MedGen C3809454, MONDO:0024567, OMIM 615419.

gnomAD v4.1: 1 of 1,611,582 alleles (0.000062%); highest among the groups gnomAD compares: East Asian, 0.0022%; no homozygotes.

Submission:

Juno Genomics, Hangzhou Juno Genomics, Inc
Classification: Uncertain significance for Congenital contractures of the limbs and face, hypotonia, and developmental delay; Hypotonia, infantile, with psychomotor retardation and characteristic facies 1. Review status: criteria provided, single submitter. Criteria: ACMG Guidelines, 2015. Collection method: clinical testing. Allele origin: germline.
Comment: Absent from controls (or at extremely low frequency if recessive) in Genome Aggregation Database.;Missense variant in a gene that has a low rate of benign missense variation.;Multiple lines of computational evidence support a deleterious effect on the gene or gene product.